The following is an entry in ClinVar:

ClinVar aggregate classification (germline): Likely benign. Review status: criteria provided, multiple submitters, no conflicts (2 of 4 stars). 3 submissions from 3 submitters: Likely benign (2). 1 of the submissions does not count toward it. Last evaluated 2026-01-20.

Conditions:
INPP5E-related disorder. Also called: INPP5E-related condition.
Joubert syndrome. Also called: JOUBERT-BOLTSHAUSER SYNDROME; Familial aplasia of the vermis. Identifiers: Orphanet 475, MedGen C5979921, MONDO:0018772.

Allele frequency attached by ClinVar (database versions not stated): ESP Exome Variant Server 0.00008; gnomAD 0.00012 and 0.00013; gnomAD exomes 0.00012; TOPMed 0.00012; ExAC 0.00020.

Submissions (3):

Labcorp Genetics (formerly Invitae), Labcorp
Classification: Likely benign for Joubert syndrome. Last evaluated: 2026-01-20. Review status: criteria provided, single submitter. Criteria: Invitae Variant Classification Sherloc (09022015). Collection method: clinical testing. Allele origin: germline.

Blueprint Genetics
Classification: Likely benign. Last evaluated: 2023-11-24. Review status: criteria provided, single submitter. Criteria: ACMG Guidelines, 2015. Collection method: clinical testing. Allele origin: germline.

PreventionGenetics, part of Exact Sciences
Classification: Likely benign for INPP5E-related condition. Last evaluated: 2022-08-30. Review status: no assertion criteria provided. Collection method: clinical testing. Allele origin: germline. Not counted in ClinVar's aggregate classification.
Comment: This variant is classified as likely benign based on ACMG/AMP sequence variant interpretation guidelines (Richards et al. 2015 PMID: 25741868, with internal and published modifications).

NM_019892.6(INPP5E):c.1387+8C>T

Gene: INPP5E (inositol polyphosphate-5-phosphatase E; minus strand). Cytogenetic location: 9q34.3.
Variant type: single nucleotide variant.
Coding change: c.1387+8C>T on transcript NM_019892.6 (MANE Select); 8 bases into the intron after coding-DNA position 1387, C replaced by T.
Molecular consequence: intron variant.
Genome position (GRCh38, 1-based): chr9:136,432,471, G>A on the plus strand (C>T on the coding strand, the complement: INPP5E is on the minus strand). VCF-style: chr9-136432471-G-A. GRCh37 (hg19) VCF-style: chr9-139326923-G-A.
Other names: c.1384+8C>T (NM_001318502.2); c.1387+8C>T (NM_019892.5).
Identifiers: ClinVar variation 1143178 (VCV001143178.12), dbSNP rs374620221, ClinGen allele CA5336831.